The following is an entry in ClinVar:

NM_016169.4(SUFU):c.1174G>C (p.Gly392Arg)

Gene: SUFU (SUFU negative regulator of hedgehog signaling; plus strand). Cytogenetic location: 10q24.32.
Variant type: single nucleotide variant.
Coding change: c.1174G>C on transcript NM_016169.4 (MANE Select); coding-DNA position 1174, G replaced by C.
Protein change: p.Gly392Arg; replaces glycine 392 with arginine.
Molecular consequence: missense variant.
Genome position (GRCh38, 1-based): chr10:102,617,306, G>C. VCF-style: chr10-102617306-G-C. GRCh37 (hg19) VCF-style: chr10-104377063-G-C.
Other names: c.1174G>C, p.Gly392Arg (NM_001178133.2); short protein forms G392R.
Identifiers: ClinVar variation 956707 (VCV000956707.13), dbSNP rs2063696912, ClinGen allele CA377915114.

ClinVar aggregate classification (germline): Uncertain significance. Review status: criteria provided, multiple submitters, no conflicts (2 of 4 stars). 2 submissions from 2 submitters: Uncertain significance (2). Last evaluated 2024-10-25.

Conditions:
Gorlin syndrome. Also called: Basal cell nevus syndrome; Nevoid Basal Cell Carcinoma Syndrome. Identifiers: Orphanet 377, MedGen C0004779, MONDO:0007187.
Medulloblastoma (MDB). Also called: MEDULLOBLASTOMA PREDISPOSITION SYNDROME; Medulloblastoma, somatic. Identifiers: Orphanet 616, MedGen C0025149, MeSH D008527, MONDO:0007959, OMIM 155255, HP:0002885.
Hereditary cancer-predisposing syndrome. Also called: Hereditary neoplastic syndrome; Tumor predisposition; Neoplastic Syndromes, Hereditary; Hereditary Cancer Syndrome. Identifiers: Orphanet 140162, MedGen C0027672, MeSH D009386, MONDO:0015356.

Submissions (2):

Ambry Genetics
Classification: Uncertain significance for Hereditary cancer-predisposing syndrome. Last evaluated: 2024-10-25. Review status: criteria provided, single submitter. Criteria: Ambry Variant Classification Scheme 2023. Collection method: clinical testing. Allele origin: germline.
Comment: The p.G392R variant (also known as c.1174G>C), located in coding exon 10 of the SUFU gene, results from a G to C substitution at nucleotide position 1174. The glycine at codon 392 is replaced by arginine, an amino acid with dissimilar properties. This amino acid position is conserved. In addition, this alteration is predicted to be deleterious by in silico analysis. Since supporting evidence is limited at this time, the clinical significance of this alteration remains unclear.

Labcorp Genetics (formerly Invitae), Labcorp
Classification: Uncertain significance for Gorlin syndrome; Medulloblastoma. Last evaluated: 2022-08-22. Review status: criteria provided, single submitter. Criteria: Invitae Variant Classification Sherloc (09022015). Collection method: clinical testing. Allele origin: germline.
Comment: This sequence change replaces glycine, which is neutral and non-polar, with arginine, which is basic and polar, at codon 392 of the SUFU protein (p.Gly392Arg). This variant is not present in population databases (gnomAD no frequency). This variant has not been reported in the literature in individuals affected with SUFU-related conditions. ClinVar contains an entry for this variant (Variation ID: 956707). Algorithms developed to predict the effect of missense changes on protein structure and function (SIFT, PolyPhen-2, Align-GVGD) all suggest that this variant is likely to be disruptive. In summary, the available evidence is currently insufficient to determine the role of this variant in disease. Therefore, it has been classified as a Variant of Uncertain Significance.